The following is an entry in ClinVar:

ClinVar aggregate classification (germline): Uncertain significance (1 of 4 stars; one submission).

Allele frequency attached by ClinVar (database versions not stated): gnomAD exomes 0.00001; ExAC 0.00002; gnomAD 0.00004; TOPMed 0.00005.
gnomAD v4.1: 10 of 1,142,712 alleles (0.00088%); highest among the groups gnomAD compares: African/African-American, 0.018%; no homozygotes.

Submission:

Labcorp Genetics (formerly Invitae), Labcorp
Classification: Uncertain significance. Last evaluated: 2022-12-06. Review status: criteria provided, single submitter. Criteria: Invitae Variant Classification Sherloc (09022015). Collection method: clinical testing. Allele origin: germline.
Comment: This sequence change affects an acceptor splice site in intron 1 of the POLA1 gene. It is expected to disrupt RNA splicing. Variants that disrupt the donor or acceptor splice site typically lead to a loss of protein function (PMID: 16199547), however the current clinical and genetic evidence is not sufficient to establish whether loss-of-function variants in POLA1 cause disease. The frequency data for this variant in the population databases is considered unreliable, as metrics indicate poor data quality at this position in the gnomAD database. This variant has not been reported in the literature in individuals affected with POLA1-related conditions. ClinVar contains an entry for this variant (Variation ID: 1397392). Algorithms developed to predict the effect of sequence changes on RNA splicing suggest that this variant may disrupt the consensus splice site. In summary, the available evidence is currently insufficient to determine the role of this variant in disease. Therefore, it has been classified as a Variant of Uncertain Significance.

Literature cited by the submitters: PubMed 16199547.

NM_001330360.2(POLA1):c.44-2A>G

Gene: POLA1 (DNA polymerase alpha 1, catalytic subunit; plus strand). Cytogenetic location: Xp22.11.
Variant type: single nucleotide variant.
Coding change: c.44-2A>G on transcript NM_001330360.2 (MANE Select); the canonical splice acceptor site of the intron before coding-DNA position 44, A replaced by G.
Molecular consequence: splice acceptor variant.
Genome position (GRCh38, 1-based): chrX:24,699,423, A>G. VCF-style: chrX-24699423-A-G. GRCh37 (hg19) VCF-style: chrX-24717540-A-G.
Other names: c.44-2A>G (NM_001378303.1); c.26-2A>G (NM_016937.4).
Identifiers: ClinVar variation 1397392 (VCV001397392.8), dbSNP rs757360400, ClinGen allele CA10372700.